The following is an entry in ClinVar:

ClinVar aggregate classification (germline): Uncertain significance (1 of 4 stars; one submission).

Conditions:
Breast-ovarian cancer, familial, susceptibility to, 2 (BROVCA2). Also called: BRCA2 Hereditary Breast and Ovarian Cancer. Identifiers: Orphanet 145, MedGen C2675520, MONDO:0012933, OMIM 612555. Disease mechanism: loss of function.

Submission:

All of Us Research Program, National Institutes of Health
Classification: Uncertain significance for Breast-ovarian cancer, familial, susceptibility to, 2. Last evaluated: 2023-12-13. Review status: criteria provided, single submitter. Criteria: ACMG Guidelines, 2015. Collection method: clinical testing. Allele origin: germline. Inheritance: Autosomal dominant inheritance. Observed: 1 variant allele, 1 heterozygote.
Comment: This missense variant replaces proline with threonine at codon 3229 of the BRCA2 protein. Computational prediction suggests that this variant may not impact protein structure and function (internally defined REVEL score threshold <= 0.5, PMID: 27666373). To our knowledge, functional studies have not been reported for this variant. This variant has not been reported in individuals affected with BRCA2-related disorders in the literature. This variant has not been identified in the general population by the Genome Aggregation Database (gnomAD). The available evidence is insufficient to determine the role of this variant in disease conclusively. Therefore, this variant is classified as a Variant of Uncertain Significance.

This study involves interpretation of variants in research participants for the purpose of population health screening. Participant phenotype was not available at the time of variant classification. Additional details can be found in publication PMID: 35346344, PMCID: PMC8962531

NM_000059.4(BRCA2):c.9685C>A (p.Pro3229Thr)

Gene: BRCA2 (BRCA2 DNA repair associated; plus strand). Cytogenetic location: 13q13.1.
Variant type: single nucleotide variant.
Coding change: c.9685C>A on transcript NM_000059.4 (MANE Select); coding-DNA position 9685, C replaced by A.
Protein change: p.Pro3229Thr; replaces proline 3229 with threonine.
Molecular consequence: missense variant. On other transcripts: non-coding transcript variant (1).
Genome position (GRCh38, 1-based): chr13:32,398,198, C>A. VCF-style: chr13-32398198-C-A. GRCh37 (hg19) VCF-style: chr13-32972335-C-A.
Other names: c.9589C>A, p.Pro3197Thr (NM_001406719.1); c.9634C>A, p.Pro3212Thr (NM_001406720.1); c.4753C>A, p.Pro1585Thr (NM_001406721.1); c.3268C>A, p.Pro1090Thr (NM_001406722.1); short protein forms P1090T, P1585T, P3197T, P3212T, P3229T.
Identifiers: ClinVar variation 3074768 (VCV003074768.1), dbSNP rs1064793542, ClinGen allele CA387765274.